The following is an entry in ClinVar:

NM_003664.5(AP3B1):c.1928C>T (p.Ala643Val)

Gene: AP3B1 (adaptor related protein complex 3 subunit beta 1; minus strand). Cytogenetic location: 5q14.1.
Variant type: single nucleotide variant.
Coding change: c.1928C>T on transcript NM_003664.5 (MANE Select); coding-DNA position 1928, C replaced by T.
Protein change: p.Ala643Val; replaces alanine 643 with valine.
Molecular consequence: missense variant.
Genome position (GRCh38, 1-based): chr5:78,128,070, G>A on the plus strand (C>T on the coding strand, the complement: AP3B1 is on the minus strand). VCF-style: chr5-78128070-G-A. GRCh37 (hg19) VCF-style: chr5-77423894-G-A.
Other names: c.1928C>T (NM_003664.3); c.1781C>T, p.Ala594Val (NM_001271769.2); c.1928C>T, p.Ala643Val (NM_001410752.1); short protein forms A594V, A643V.
Identifiers: ClinVar variation 2682304 (VCV002682304.3), dbSNP rs769622520, ClinGen allele CA3316922.

ClinVar aggregate classification (germline): Uncertain significance. Review status: criteria provided, multiple submitters, no conflicts (2 of 4 stars). 3 submissions from 3 submitters: Uncertain significance (3). Last evaluated 2023-11-30.

Conditions:
Inborn genetic diseases. Identifiers: MedGen C0950123, MeSH D030342.

Allele frequency attached by ClinVar (database versions not stated): gnomAD exomes below 0.00001; ExAC 0.00005; gnomAD 0.00005; TOPMed 0.00009.
gnomAD v4.1: 13 of 1,613,018 alleles (0.00081%); highest among the groups gnomAD compares: African/African-American, 0.012%; no homozygotes.

Submissions (3):

Women's Health and Genetics/Laboratory Corporation of America, LabCorp
Classification: Uncertain significance. Last evaluated: 2023-11-30. Review status: criteria provided, single submitter. Criteria: LabCorp Variant Classification Summary - May 2015. Collection method: clinical testing. Allele origin: germline.
Comment: Variant summary: AP3B1 c.1928C>T (p.Ala643Val) results in a non-conservative amino acid change in the encoded protein sequence. Three of five in-silico tools predict a damaging effect of the variant on protein function. The variant allele was found at a frequency of 2.8e-05 in 251364 control chromosomes, predominantly at a frequency of 0.00025 within the African or African-American subpopulation in the gnomAD database. The available data on variant occurrences in the general population are insufficient to allow any conclusion about variant significance. To our knowledge, no occurrence of c.1928C>T in individuals affected with Hermansky-Pudlak Syndrome and no experimental evidence demonstrating its impact on protein function have been reported. No submitters have cited clinical-significance assessments for this variant to ClinVar after 2014. Based on the evidence outlined above, the variant was classified as uncertain significance.

Ambry Genetics
Classification: Uncertain significance for Inborn genetic diseases. Last evaluated: 2023-11-27. Review status: criteria provided, single submitter. Criteria: Ambry Variant Classification Scheme 2023. Collection method: clinical testing. Allele origin: germline.

Blueprint Genetics
Classification: Uncertain significance. Last evaluated: 2019-06-22. Review status: criteria provided, single submitter. Criteria: ACMG Guidelines, 2015. Collection method: clinical testing. Allele origin: germline.